The following is an entry in ClinVar:

NM_006421.5(ARFGEF1):c.5434C>T (p.Gln1812Ter)

Gene: ARFGEF1 (ARF guanine nucleotide exchange factor 1; minus strand). Cytogenetic location: 8q13.2.
Variant type: single nucleotide variant.
Coding change: c.5434C>T on transcript NM_006421.5 (MANE Select); coding-DNA position 5434, C replaced by T.
Protein change: p.Gln1812Ter; replaces glutamine 1812 with a stop codon.
Molecular consequence: nonsense. On other transcripts: non-coding transcript variant (1), intron variant (2).
Genome position (GRCh38, 1-based): chr8:67,199,050, G>A on the plus strand (C>T on the coding strand, the complement: ARFGEF1 is on the minus strand). VCF-style: chr8-67199050-G-A. GRCh37 (hg19) VCF-style: chr8-68111285-G-A.
Other names: c.5434C>T, p.Gln1812Ter (NM_001413184.1); c.5416C>T, p.Gln1806Ter (NM_001413185.1, NM_001413189.1); c.4834C>T, p.Gln1612Ter (NM_001413188.1, NM_001413197.1); c.5428C>T, p.Gln1810Ter (NM_001413190.1); c.5338C>T, p.Gln1780Ter (NM_001413191.1); c.5320C>T, p.Gln1774Ter (NM_001413192.1); c.4009C>T, p.Gln1337Ter (NM_001413196.1); c.5367+1346C>T (NM_001413186.1); and 1 more; short protein forms Q1774*, Q1612*, Q1780*, Q1810*, Q1337*, Q1812*, Q1806*.
Identifiers: ClinVar variation 3936939 (VCV003936939.1).

ClinVar aggregate classification (germline): Uncertain significance (1 of 4 stars; one submission).

Conditions:
Inborn genetic diseases. Identifiers: MedGen C0950123, MeSH D030342.

Submission:

Ambry Genetics
Classification: Uncertain significance for Inborn genetic diseases. Last evaluated: 2025-05-23. Review status: criteria provided, single submitter. Criteria: Ambry Variant Classification Scheme 2023. Collection method: clinical testing. Allele origin: germline.
Comment: The c.5434C>T (p.Q1812*) alteration, located in exon 39 (coding exon 39) of the ARFGEF1 gene, consists of a C to T substitution at nucleotide position 5434. This changes the amino acid from a glutamine (Q) to a stop codon at amino acid position 1812. This variant is not expected to trigger nonsense-mediated mRNA decay, and impacts the last 2% of the protein. The exact functional effect of this alteration is unknown. This variant was not reported in population-based cohorts in the Genome Aggregation Database (gnomAD). Based on insufficient or conflicting evidence, the clinical significance of this alteration remains unclear.